The following is an entry in ClinVar:

NM_004984.4(KIF5A):c.515G>C (p.Arg172Pro)

Gene: KIF5A (kinesin family member 5A; plus strand). Cytogenetic location: 12q13.3.
Variant type: single nucleotide variant.
Coding change: c.515G>C on transcript NM_004984.4 (MANE Select); coding-DNA position 515, G replaced by C.
Protein change: p.Arg172Pro; replaces arginine 172 with proline.
Molecular consequence: missense variant.
Genome position (GRCh38, 1-based): chr12:57,567,139, G>C. VCF-style: chr12-57567139-G-C. GRCh37 (hg19) VCF-style: chr12-57960922-G-C.
Other names: c.248G>C, p.Arg83Pro (NM_001354705.2); short protein forms R172P, R83P.
Identifiers: ClinVar variation 1343264 (VCV001343264.1), dbSNP rs1882088063, ClinGen allele CA385497603.

ClinVar aggregate classification (germline): Uncertain significance. Review status: criteria provided, single submitter (1 of 4 stars). 3 submissions from 1 submitter: Uncertain significance (3). Last evaluated 2021-12-03.

Conditions:
Amyotrophic lateral sclerosis, susceptibility to, 25. Identifiers: MedGen C4693609, MONDO:0060670, OMIM 617921.
Myoclonus, intractable, neonatal (NEIMY). Identifiers: MedGen C4310658, MONDO:0014979, OMIM 617235.
Hereditary spastic paraplegia 10 (SPG10). Also called: SPASTIC PARAPLEGIA 10, AUTOSOMAL DOMINANT; SPASTIC PARAPLEGIA 10 WITH OR WITHOUT PERIPHERAL NEUROPATHY; SPASTIC PARAPLEGIA 10 WITH PERIPHERAL NEUROPATHY. Identifiers: Orphanet 100991, MedGen C1858712, MONDO:0011408, OMIM 604187.

Submissions (3):

Institute of Human Genetics, Clinical Exome/Genome Diagnostics Group, University Hospital Bonn
Classification: Uncertain significance for Hereditary spastic paraplegia 10. Last evaluated: 2021-12-03. Review status: criteria provided, single submitter. Criteria: ACMG Guidelines, 2015. Collection method: clinical testing. Allele origin: germline. Affected: yes.
Comment: PM2, PP2

Institute of Human Genetics, Clinical Exome/Genome Diagnostics Group, University Hospital Bonn
Classification: Uncertain significance for Amyotrophic lateral sclerosis, susceptibility to, 25. Last evaluated: 2021-12-03. Review status: criteria provided, single submitter. Criteria: ACMG Guidelines, 2015. Collection method: clinical testing. Allele origin: germline. Affected: yes.
Comment: the same text as in the submission from Institute of Human Genetics, Clinical Exome/Genome Diagnostics Group, University Hospital Bonn above.

Institute of Human Genetics, Clinical Exome/Genome Diagnostics Group, University Hospital Bonn
Classification: Uncertain significance for Myoclonus, intractable, neonatal. Last evaluated: 2021-12-03. Review status: criteria provided, single submitter. Criteria: ACMG Guidelines, 2015. Collection method: clinical testing. Allele origin: germline. Affected: yes.
Comment: the same text as in the submission from Institute of Human Genetics, Clinical Exome/Genome Diagnostics Group, University Hospital Bonn above.